The following is an entry in ClinVar:

NM_014845.6(FIG4):c.1434+238T>C

Gene: FIG4 (FIG4 phosphoinositide 5-phosphatase; plus strand). Cytogenetic location: 6q21.
Variant type: single nucleotide variant.
Coding change: c.1434+238T>C on transcript NM_014845.6 (MANE Select); 238 bases into the intron after coding-DNA position 1434, T replaced by C.
Molecular consequence: intron variant.
Genome position (GRCh38, 1-based): chr6:109,764,220, T>C. VCF-style: chr6-109764220-T-C. GRCh37 (hg19) VCF-style: chr6-110085423-T-C.
Identifiers: ClinVar variation 680181 (VCV000680181.1), dbSNP rs6912209, ClinGen allele CA12246043.

ClinVar aggregate classification (germline): Benign (1 of 4 stars; one submission).

Allele frequency attached by ClinVar (database versions not stated): 1000 Genomes Project 0.77216; 1000 Genomes Project 30x 0.77530; gnomAD 0.80360 and 0.80995; TOPMed 0.80622.
gnomAD v4.1: 122,023 of 152,000 alleles (80%); highest among the groups gnomAD compares: African/African-American, 91%; 49,263 homozygotes.

Submission:

GeneDx
Classification: Benign. Last evaluated: 2018-06-14. Review status: criteria provided, single submitter. Criteria: GeneDx Variant Classification (06012015). Collection method: clinical testing. Allele origin: germline. Affected: yes.
Comment: This variant is considered likely benign or benign based on one or more of the following criteria: it is a conservative change, it occurs at a poorly conserved position in the protein, it is predicted to be benign by multiple in silico algorithms, and/or has population frequency not consistent with disease.